The following is an entry in ClinVar:

ClinVar aggregate classification (germline): Uncertain significance. Review status: criteria provided, multiple submitters, no conflicts (2 of 4 stars). 4 submissions from 4 submitters: Uncertain significance (4). Last evaluated 2025-03-23.

Conditions:
Malignant hyperthermia, susceptibility to, 1 (MHS1). Also called: Malignant hyperthermia suceptibility 1; Anesthesia related hyperthermia; Malignant hyperpyrexia; Fulminating hyperpyrexia; Pharmacogenic myopathy; RYR1-Related Malignant Hyperthermia Susceptibility. Identifiers: Orphanet 423, MedGen C2930980, MONDO:0007783, OMIM 145600.
RYR1-related disorder. Also called: RYR1-related condition; RYR1-related disorders. Identifiers: MedGen CN239331.
Inborn genetic diseases. Identifiers: MedGen C0950123, MeSH D030342.

Allele frequency attached by ClinVar (database versions not stated): gnomAD 0.00001; TOPMed 0.00001; gnomAD exomes 0.00002.
gnomAD v4.1: 33 of 1,614,046 alleles (0.002%); highest among the groups gnomAD compares: Non-Finnish European, 0.0024%; no homozygotes.

Submissions (4):

Revvity Omics, Revvity
Classification: Uncertain significance. Last evaluated: 2025-03-23. Review status: criteria provided, single submitter. Criteria: ACMG Guidelines, 2015. Collection method: clinical testing. Allele origin: germline.

Labcorp Genetics (formerly Invitae), Labcorp
Classification: Uncertain significance for RYR1-related disorder. Last evaluated: 2024-10-29. Review status: criteria provided, single submitter. Criteria: Invitae Variant Classification Sherloc (09022015). Collection method: clinical testing. Allele origin: germline.
Comment: This sequence change replaces aspartic acid, which is acidic and polar, with asparagine, which is neutral and polar, at codon 3817 of the RYR1 protein (p.Asp3817Asn). This variant is present in population databases (no rsID available, gnomAD 0.002%). This variant has not been reported in the literature in individuals affected with RYR1-related conditions. ClinVar contains an entry for this variant (Variation ID: 2276108). Invitae Evidence Modeling of protein sequence and biophysical properties (such as structural, functional, and spatial information, amino acid conservation, physicochemical variation, residue mobility, and thermodynamic stability) indicates that this missense variant is not expected to disrupt RYR1 protein function with a negative predictive value of 80%. In summary, the available evidence is currently insufficient to determine the role of this variant in disease. Therefore, it has been classified as a Variant of Uncertain Significance.

Color Diagnostics, LLC DBA Color Health
Classification: Uncertain significance for Malignant hyperthermia, susceptibility to, 1. Last evaluated: 2024-03-06. Review status: criteria provided, single submitter. Criteria: ACMG Guidelines, 2015. Collection method: clinical testing. Allele origin: germline.
Comment: This missense variant replaces aspartic acid with asparagine at codon 3817 of the RYR1 protein. Computational prediction suggests that this variant may not impact protein structure and function. To our knowledge, functional studies have not been reported for this variant. This variant has not been reported in individuals affected with malignant hyperthermia in the literature. This variant has been identified in 2/251492 chromosomes in the general population by the Genome Aggregation Database (gnomAD). The available evidence is insufficient to determine the role of this variant in disease conclusively. Therefore, this variant is classified as a Variant of Uncertain Significance.

Ambry Genetics
Classification: Uncertain significance for Inborn genetic diseases. Last evaluated: 2022-02-09. Review status: criteria provided, single submitter. Criteria: Ambry Variant Classification Scheme 2023. Collection method: clinical testing. Allele origin: germline.

NM_000540.3(RYR1):c.11449G>A (p.Asp3817Asn)

Gene: RYR1 (ryanodine receptor 1; plus strand). Cytogenetic location: 19q13.2.
Variant type: single nucleotide variant.
Coding change: c.11449G>A on transcript NM_000540.3 (MANE Select); coding-DNA position 11449, G replaced by A.
Protein change: p.Asp3817Asn; replaces aspartic acid 3817 with asparagine.
Molecular consequence: missense variant.
Genome position (GRCh38, 1-based): chr19:38,535,325, G>A. VCF-style: chr19-38535325-G-A. GRCh37 (hg19) VCF-style: chr19-39025965-G-A.
Other names: c.11434G>A, p.Asp3812Asn (NM_001042723.2); short protein forms D3817N, D3812N.
Identifiers: ClinVar variation 2276108 (VCV002276108.6), dbSNP rs1427434513, ClinGen allele CA405655719.